The following is an entry in ClinVar:

NM_025137.4(SPG11):c.800A>C (p.Asp267Ala)

Gene: SPG11 (SPG11 vesicle trafficking associated, spatacsin; minus strand). Cytogenetic location: 15q21.1.
Variant type: single nucleotide variant.
Coding change: c.800A>C on transcript NM_025137.4 (MANE Select); coding-DNA position 800, A replaced by C.
Protein change: p.Asp267Ala; replaces aspartic acid 267 with alanine.
Molecular consequence: missense variant.
Genome position (GRCh38, 1-based): chr15:44,657,164, T>G on the plus strand (A>C on the coding strand, the complement: SPG11 is on the minus strand). VCF-style: chr15-44657164-T-G. GRCh37 (hg19) VCF-style: chr15-44949362-T-G.
Other names: c.800A>C, p.Asp267Ala (NM_001160227.2); short protein forms D267A.
Identifiers: ClinVar variation 1418644 (VCV001418644.3), dbSNP rs1189328432, ClinGen allele CA392237258.

ClinVar aggregate classification (germline): Uncertain significance (1 of 4 stars; one submission).

Conditions:
Hereditary spastic paraplegia 11. Also called: SPASTIC PARAPLEGIA, AUTOSOMAL RECESSIVE, COMPLICATED, WITH THIN CORPUS CALLOSUM; SPASTIC PARAPLEGIA, AUTOSOMAL RECESSIVE, WITH MENTAL IMPAIRMENT AND THIN CORPUS CALLOSUM; Nakamura Osame syndrome; Autosomal recessive hereditary spastic paraplegia, mental impairment, and thin corpus callosum; Spastic paraplegia, mental retardation and thin corpus callosum; Spastic Paraplegia 11. Identifiers: Orphanet 2822, MedGen C1858479, MONDO:0011445, OMIM 604360.

Allele frequency attached by ClinVar (database versions not stated): gnomAD exomes below 0.00001; TOPMed below 0.00001; gnomAD 0.00001.
gnomAD v4.1: 3 of 1,613,980 alleles (0.00019%); highest among the groups gnomAD compares: Non-Finnish European, 0.00025%; no homozygotes.

Submission:

Labcorp Genetics (formerly Invitae), Labcorp
Classification: Uncertain significance for Hereditary spastic paraplegia 11. Last evaluated: 2021-09-08. Review status: criteria provided, single submitter. Criteria: Invitae Variant Classification Sherloc (09022015). Collection method: clinical testing. Allele origin: germline.
Comment: This sequence change replaces aspartic acid with alanine at codon 267 of the SPG11 protein (p.Asp267Ala). The aspartic acid residue is moderately conserved and there is a moderate physicochemical difference between aspartic acid and alanine. This variant is not present in population databases (ExAC no frequency). This variant has not been reported in the literature in individuals affected with SPG11-related conditions. Algorithms developed to predict the effect of missense changes on protein structure and function are either unavailable or do not agree on the potential impact of this missense change (SIFT: "Deleterious"; PolyPhen-2: "Probably Damaging"; Align-GVGD: "Class C0"). In summary, the available evidence is currently insufficient to determine the role of this variant in disease. Therefore, it has been classified as a Variant of Uncertain Significance.